The following is an entry in ClinVar:

ClinVar aggregate classification (germline): Uncertain significance. Review status: criteria provided, multiple submitters, no conflicts (2 of 4 stars). 2 submissions from 2 submitters: Uncertain significance (2). Last evaluated 2025-09-26.

Allele frequency attached by ClinVar (database versions not stated): gnomAD 0.00001; gnomAD exomes 0.00001; ExAC 0.00002.
gnomAD v4.1: 19 of 1,614,068 alleles (0.0012%); highest among the groups gnomAD compares: South Asian, 0.0033%; 1 homozygote.

Submissions (2):

Ambry Genetics
Classification: Uncertain significance. Last evaluated: 2025-09-26. Review status: criteria provided, single submitter. Criteria: Ambry Variant Classification Scheme 2023. Collection method: clinical testing. Allele origin: germline.

Labcorp Genetics (formerly Invitae), Labcorp
Classification: Uncertain significance. Last evaluated: 2022-06-13. Review status: criteria provided, single submitter. Criteria: Invitae Variant Classification Sherloc (09022015). Collection method: clinical testing. Allele origin: germline.
Comment: In summary, the available evidence is currently insufficient to determine the role of this variant in disease. Therefore, it has been classified as a Variant of Uncertain Significance. Algorithms developed to predict the effect of sequence changes on RNA splicing suggest that this variant may create or strengthen a splice site. Algorithms developed to predict the effect of missense changes on protein structure and function are either unavailable or do not agree on the potential impact of this missense change (SIFT: "Deleterious"; PolyPhen-2: "Probably Damaging"; Align-GVGD: "Class C0"). This variant has not been reported in the literature in individuals affected with LOXL3-related conditions. This variant is present in population databases (rs762623422, gnomAD 0.004%). This sequence change replaces arginine, which is basic and polar, with glutamine, which is neutral and polar, at codon 575 of the LOXL3 protein (p.Arg575Gln).

NM_032603.5(LOXL3):c.1724G>A (p.Arg575Gln)

Gene: LOXL3 (lysyl oxidase like 3; minus strand). Cytogenetic location: 2p13.1.
Variant type: single nucleotide variant.
Coding change: c.1724G>A on transcript NM_032603.5 (MANE Select); coding-DNA position 1724, G replaced by A.
Protein change: p.Arg575Gln; replaces arginine 575 with glutamine.
Molecular consequence: missense variant.
Genome position (GRCh38, 1-based): chr2:74,534,630, C>T on the plus strand (G>A on the coding strand, the complement: LOXL3 is on the minus strand). VCF-style: chr2-74534630-C-T. GRCh37 (hg19) VCF-style: chr2-74761757-C-T.
Other names: c.1724G>A (NM_032603.2); c.1289G>A, p.Arg430Gln (NM_001289164.3); c.641G>A, p.Arg214Gln (NM_001289165.2); short protein forms R214Q, R430Q, R575Q.
Identifiers: ClinVar variation 1485429 (VCV001485429.7), dbSNP rs762623422, ClinGen allele CA1728816.